The following is an entry in ClinVar:

ClinVar aggregate classification (germline): Likely pathogenic (1 of 4 stars; one submission).

Conditions:
Multiple epiphyseal dysplasia type 1. Also called: COMP-Related Multiple Epiphyseal Dysplasia. Identifiers: Orphanet 93308, MedGen C1838280, MONDO:0007561, OMIM 132400.

Submission:

Rady Children's Institute for Genomic Medicine, Rady Children's Hospital San Diego
Classification: Likely pathogenic for EPIPHYSEAL DYSPLASIA, MULTIPLE, 1. Last evaluated: 2018-07-19. Review status: criteria provided, single submitter. Criteria: ACMG Guidelines, 2015. Collection method: clinical testing. Allele origin: germline. Affected: yes. Observed: 1 variant allele.
Comment: The p.Pro296Arg has not previously been reported in an affected individual, but a different missense change at the same residue (p.P296T) was previously determined to be pathogenic in patients with multiple epiphyseal dysplasia (PMID: 24595329). The p.Pro296Arg variant is absent from the ExAC and gnomAD population databases and thus is presumed to be rare. The c.887C>G (p.Pro296Arg) variant affects a highly conserved amino acid and is predicted by multiple in silico tools to have a deleterious effect on protein function. Analysis of the parental samples was negative for the variant, indicating this variant likely occurred as a de novo event. Based on the available evidence, the c.887C>G (p.Pro296Arg) variant is classified as likely pathogenic.

NM_000095.3(COMP):c.887C>G (p.Pro296Arg)

Gene: COMP (cartilage oligomeric matrix protein; minus strand). Cytogenetic location: 19p13.11.
Variant type: single nucleotide variant.
Coding change: c.887C>G on transcript NM_000095.3 (MANE Select); coding-DNA position 887, C replaced by G.
Protein change: p.Pro296Arg; replaces proline 296 with arginine.
Molecular consequence: missense variant.
Genome position (GRCh38, 1-based): chr19:18,788,300, G>C on the plus strand (C>G on the coding strand, the complement: COMP is on the minus strand). VCF-style: chr19-18788300-G-C. GRCh37 (hg19) VCF-style: chr19-18899109-G-C.
Other names: short protein forms P296R.
Identifiers: ClinVar variation 692045 (VCV000692045.1), dbSNP rs1601057167, ClinGen allele CA404891648.